The following is an entry in ClinVar:

ClinVar aggregate classification (germline): Uncertain significance (1 of 4 stars; one submission).

Conditions:
Tenorio syndrome (TNORS). Also called: OVERGROWTH, MACROCEPHALY, AND INTELLECTUAL DISABILITY SYNDROME. Identifiers: MedGen C4015710, MONDO:0014553, OMIM 616260.

Submission:

Labcorp Genetics (formerly Invitae), Labcorp
Classification: Uncertain significance for Tenorio syndrome. Last evaluated: 2024-10-15. Review status: criteria provided, single submitter. Criteria: Invitae Variant Classification Sherloc (09022015). Collection method: clinical testing. Allele origin: germline.
Comment: This sequence change replaces arginine, which is basic and polar, with cysteine, which is neutral and slightly polar, at codon 24 of the RNF125 protein (p.Arg24Cys). This variant is not present in population databases (gnomAD no frequency). This variant has not been reported in the literature in individuals affected with RNF125-related conditions. ClinVar contains an entry for this variant (Variation ID: 1979017). An algorithm developed to predict the effect of missense changes on protein structure and function (PolyPhen-2) suggests that this variant is likely to be tolerated. In summary, the available evidence is currently insufficient to determine the role of this variant in disease. Therefore, it has been classified as a Variant of Uncertain Significance.

NM_017831.4(RNF125):c.70C>T (p.Arg24Cys)

Genes: RNF125 (ring finger protein 125; plus strand), LOC121852963 (Sharpr-MPRA regulatory region 13938; plus strand). Cytogenetic location: 18q12.1.
Variant type: single nucleotide variant.
Coding change: c.70C>T on transcript NM_017831.4 (MANE Select); coding-DNA position 70, C replaced by T.
Protein change: p.Arg24Cys; replaces arginine 24 with cysteine.
Molecular consequence: missense variant.
Genome position (GRCh38, 1-based): chr18:32,018,933, C>T. VCF-style: chr18-32018933-C-T. GRCh37 (hg19) VCF-style: chr18-29598896-C-T.
Other names: short protein forms R24C.
Identifiers: ClinVar variation 1979017 (VCV001979017.4), dbSNP rs1276928422, ClinGen allele CA402253108.